The following is an entry in ClinVar:

ClinVar aggregate classification (germline): Likely benign. Review status: criteria provided, multiple submitters, no conflicts (2 of 4 stars). 3 submissions from 3 submitters: Likely benign (3). Last evaluated 2025-01-01.

Conditions:
Hereditary spastic paraplegia 75. Also called: Spastic paraplegia 75, autosomal recessive. Identifiers: Orphanet 459056, MedGen C4225250, MONDO:0014729, OMIM 616680.

Allele frequency attached by ClinVar (database versions not stated): gnomAD 0.00001; ExAC 0.00002; TOPMed 0.00003.
gnomAD v4.1: 45 of 1,609,752 alleles (0.0028%); highest among the groups gnomAD compares: Non-Finnish European, 0.0034%; no homozygotes.

Submissions (3):

Labcorp Genetics (formerly Invitae), Labcorp
Classification: Likely benign for Hereditary spastic paraplegia 75. Last evaluated: 2025-01-01. Review status: criteria provided, single submitter. Criteria: Invitae Variant Classification Sherloc (09022015). Collection method: clinical testing. Allele origin: germline.

Blueprint Genetics
Classification: Likely benign. Last evaluated: 2024-04-19. Review status: criteria provided, single submitter. Criteria: ACMG Guidelines, 2015. Collection method: clinical testing. Allele origin: germline.

CeGaT Center for Human Genetics Tuebingen
Classification: Likely benign. Last evaluated: 2022-10-01. Review status: criteria provided, single submitter. Criteria: CeGaT Center For Human Genetics Tuebingen Variant Classification Criteria Version 2. Collection method: clinical testing. Allele origin: germline. Affected: yes. Observed: 1 variant allele.
Comment: MAG: BP4, BP7

NM_002361.4(MAG):c.1239T>G (p.Pro413=)

Gene: MAG (myelin associated glycoprotein; plus strand). Cytogenetic location: 19q13.12.
Variant type: single nucleotide variant.
Coding change: c.1239T>G on transcript NM_002361.4 (MANE Select); coding-DNA position 1239, T replaced by G.
Protein change: p.Pro413=; no amino-acid change (proline 413 retained).
Molecular consequence: synonymous variant.
Genome position (GRCh38, 1-based): chr19:35,309,881, T>G. VCF-style: chr19-35309881-T-G. GRCh37 (hg19) VCF-style: chr19-35800784-T-G.
Other names: c.1164T>G, p.Pro388= (NM_001199216.2); c.1239T>G, p.Pro413= (NM_080600.3).
Identifiers: ClinVar variation 2649716 (VCV002649716.27), dbSNP rs746129230, ClinGen allele CA9376219.
Genomic context (GRCh38, chr19:35,309,881, plus strand): 5'-CCGGGCCTCGCGTTGGCTCCGGGCCACCCTCAGACCTGATTTTGCCCCTGCAGTCGCCCC[T>G]GTGCTCCTCCTGGAGTCCCACTGCGCGGCAGCCCGAGACACGGTGCAGTGCCTGTGCGTG-3'
Protein context (NP_002352.1, residues 403-423): TAFNLSVEFA[Pro413=]VLLLESHCAA